The following is an entry in ClinVar:

NM_001033855.3(DCLRE1C):c.779A>G (p.Lys260Arg)

Gene: DCLRE1C (DNA cross-link repair 1C; minus strand). Cytogenetic location: 10p13.
Variant type: single nucleotide variant.
Coding change: c.779A>G on transcript NM_001033855.3 (MANE Select); coding-DNA position 779, A replaced by G.
Protein change: p.Lys260Arg; replaces lysine 260 with arginine.
Molecular consequence: missense variant. On other transcripts: non-coding transcript variant (4).
Genome position (GRCh38, 1-based): chr10:14,932,855, T>C on the plus strand (A>G on the coding strand, the complement: DCLRE1C is on the minus strand). VCF-style: chr10-14932855-T-C. GRCh37 (hg19) VCF-style: chr10-14974854-T-C.
Other names: c.419A>G, p.Lys140Arg (NM_001033857.3, NM_001033858.3, NM_001289077.2 and 2 more transcripts); c.434A>G, p.Lys145Arg (NM_001289076.2, NM_001289078.2, NM_001350966.2 and 1 more transcripts); c.779A>G, p.Lys260Arg (NM_001350965.2); short protein forms K145R, K140R, K260R.
Identifiers: ClinVar variation 972450 (VCV000972450.7), dbSNP rs1839255605, ClinGen allele CA376058311.

ClinVar aggregate classification (germline): Uncertain significance (1 of 4 stars; one submission).

Conditions:
Severe combined immunodeficiency due to DCLRE1C deficiency (RS-SCID). Also called: SCID, AUTOSOMAL RECESSIVE, T CELL-NEGATIVE, B CELL-NEGATIVE, NK CELL-POSITIVE, WITH SENSITIVITY TO IONIZING RADIATION. Identifiers: Orphanet 275, MedGen C1865371, MONDO:0011225, OMIM 602450.

Allele frequency attached by ClinVar (database versions not stated): TOPMed below 0.00001.
gnomAD v4.1: 6 of 1,614,150 alleles (0.00037%); highest among the groups gnomAD compares: Non-Finnish European, 0.00051%; no homozygotes.

Submission:

Labcorp Genetics (formerly Invitae), Labcorp
Classification: Uncertain significance for Athabaskan severe combined immunodeficiency. Last evaluated: 2021-08-31. Review status: criteria provided, single submitter. Criteria: Invitae Variant Classification Sherloc (09022015). Collection method: clinical testing. Allele origin: germline.
Comment: This sequence change replaces lysine with arginine at codon 260 of the DCLRE1C protein (p.Lys260Arg). The lysine residue is moderately conserved and there is a small physicochemical difference between lysine and arginine. This variant is not present in population databases (ExAC no frequency). This variant has not been reported in the literature in individuals affected with DCLRE1C-related conditions. Algorithms developed to predict the effect of missense changes on protein structure and function output the following: SIFT: "Tolerated"; PolyPhen-2: "Benign"; Align-GVGD: "Class C0". The arginine amino acid residue is found in multiple mammalian species, which suggests that this missense change does not adversely affect protein function. Algorithms developed to predict the effect of sequence changes on RNA splicing suggest that this variant may create or strengthen a splice site. In summary, the available evidence is currently insufficient to determine the role of this variant in disease. Therefore, it has been classified as a Variant of Uncertain Significance.